The following is an entry in ClinVar:

NM_001211.6(BUB1B):c.803dup (p.Asn268fs)

Gene: BUB1B (BUB1 mitotic checkpoint serine/threonine kinase B; plus strand). Cytogenetic location: 15q15.1.
Variant type: Duplication.
Coding change: c.803dup on transcript NM_001211.6 (MANE Select); coding-DNA position 803, one base duplicated (A; older notation c.803dupA).
Protein change: p.Asn268fs; shifts the reading frame from asparagine 268.
Molecular consequence: frameshift variant.
Genome position (GRCh38, 1-based): chr15:40,185,216, A duplicated; the last of 4 consecutive A bases (chr15:40,185,213-40,185,216); duplicating any one gives the same sequence. VCF-style (leftmost placement, unchanged base first): chr15-40185212-C-CA. GRCh37 (hg19) VCF-style: chr15-40477413-C-CA.
Other names: c.803dupA (NM_001211.6); short protein forms N268fs.
Identifiers: ClinVar variation 3336280 (VCV003336280.1).

ClinVar aggregate classification (germline): Pathogenic (1 of 4 stars; one submission).

Conditions:
Mosaic variegated aneuploidy syndrome 1 (MVA1). Also called: Warburton-Anyane-Yeboa syndrome. Identifiers: Orphanet 1052, MedGen C1850343, MONDO:0009759, OMIM 257300.

Submission:

Women's Health and Genetics/Laboratory Corporation of America, LabCorp
Classification: Pathogenic for Mosaic variegated aneuploidy syndrome 1. Last evaluated: 2024-05-01. Review status: criteria provided, single submitter. Criteria: LabCorp Variant Classification Summary - May 2015. Collection method: clinical testing. Allele origin: germline.
Comment: Variant summary: BUB1B c.803dupA (p.Asn268LysfsX2) results in a premature termination codon, predicted to cause absence of the protein due to nonsense mediated decay, which is a commonly known mechanism for disease. The variant was absent in 251304 control chromosomes (gnomAD). To our knowledge, no occurrence of c.803dupA in individuals affected with Mosaic Variegated Aneuploidy Syndrome 1 and no experimental evidence demonstrating its impact on protein function have been reported. No submitters have cited clinical-significance assessments for this variant to ClinVar. Based on the evidence outlined above, the variant was classified as pathogenic.